The following is an entry in ClinVar:

ClinVar aggregate classification (germline): Benign (0 of 4 stars; one submission).

Conditions:
GEMIN4-related disorder. Also called: GEMIN4-related condition.

Allele frequency attached by ClinVar (database versions not stated): 1000 Genomes Project 30x 0.15756; 1000 Genomes Project 0.15855; TOPMed 0.18358; ExAC 0.21177; gnomAD 0.18912; ESP Exome Variant Server 0.19911.
gnomAD v4.1: 378,428 of 1,613,264 alleles (23%); highest among the groups gnomAD compares: Non-Finnish European, 26%; 46,642 homozygotes.

Submission:

PreventionGenetics, part of Exact Sciences
Classification: Benign for GEMIN4-related condition. Last evaluated: 2019-10-17. Review status: no assertion criteria provided. Collection method: clinical testing. Allele origin: germline.
Comment: This variant is classified as benign based on ACMG/AMP sequence variant interpretation guidelines (Richards et al. 2015 PMID: 25741868, with internal and published modifications).

NM_015721.3(GEMIN4):c.3126C>T (p.Ile1042=)

Gene: GEMIN4 (gem nuclear organelle associated protein 4; minus strand). Cytogenetic location: 17p13.3.
Variant type: single nucleotide variant.
Coding change: c.3126C>T on transcript NM_015721.3 (MANE Select); coding-DNA position 3126, C replaced by T.
Protein change: p.Ile1042=; no amino-acid change (isoleucine 1042 retained).
Molecular consequence: synonymous variant.
Genome position (GRCh38, 1-based): chr17:744,917, G>A on the plus strand (C>T on the coding strand, the complement: GEMIN4 is on the minus strand). VCF-style: chr17-744917-G-A. GRCh37 (hg19) VCF-style: chr17-648157-G-A.
Identifiers: ClinVar variation 3057158 (VCV003057158.2), dbSNP rs1045481, ClinGen allele CA8262289.